The following is an entry in ClinVar:

ClinVar aggregate classification (germline): Pathogenic (1 of 4 stars; one submission).

Conditions:
Neurofibromatosis, type 1 (NF1). Also called: NEUROFIBROMATOSIS, TYPE I, SOMATIC; Peripheral type neurofibromatosis; VON RECKLINGHAUSEN DISEASE; Neurofibromatosis, type I. Identifiers: Orphanet 636, MedGen C0027831, MONDO:0018975, OMIM 162200. Disease mechanism: loss of function.

Submission:

Labcorp Genetics (formerly Invitae), Labcorp
Classification: Pathogenic for Neurofibromatosis, type 1. Last evaluated: 2026-01-25. Review status: criteria provided, single submitter. Criteria: Invitae Variant Classification Sherloc (09022015). Collection method: clinical testing. Allele origin: germline.
Comment: This sequence change creates a premature translational stop signal (p.Ser1570Lysfs*31) in the NF1 gene. It is expected to result in an absent or disrupted protein product. Loss-of-function variants in NF1 are known to be pathogenic (PMID: 10712197, 23913538). This variant is not present in population databases (gnomAD no frequency). This variant has not been reported in the literature in individuals affected with NF1-related conditions. ClinVar contains an entry for this variant (Variation ID: 2815220). For these reasons, this variant has been classified as Pathogenic.

Literature cited by the submitters: PubMed 10712197; PubMed 23913538.

NM_001042492.3(NF1):c.4771dup (p.Ser1591fs)

Gene: NF1 (neurofibromin 1; plus strand). Cytogenetic location: 17q11.2.
Variant type: Duplication.
Coding change: c.4771dup on transcript NM_001042492.3 (MANE Select); coding-DNA position 4771, one base duplicated (A; older notation c.4771dupA).
Protein change: p.Ser1591fs; shifts the reading frame from serine 1591.
Molecular consequence: frameshift variant.
Genome position (GRCh38, 1-based): chr17:31,265,275, A duplicated; the last of 2 consecutive A bases (chr17:31,265,274-31,265,275); duplicating either gives the same sequence. VCF-style (leftmost placement, unchanged base first): chr17-31265273-T-TA. GRCh37 (hg19) VCF-style: chr17-29592291-T-TA.
Other names: c.4708dup, p.Ser1570Lysfs (NM_000267.4); short protein forms S1591fs, S1570fs.
Identifiers: ClinVar variation 2815220 (VCV002815220.3), dbSNP rs2067765761, ClinGen allele CA2739267414.
Genomic context (GRCh38, chr17:31,265,273, plus strand): 5'-GTTATTTTTCTTTTAGGCATCAGGTACATGAAAAAGAAGAATTCAAGGCTTTGAAAACGT[T>TA]AAGTATTTTCTACCAAGCTGGGACTTCCAAAGCTGGGAATCCTATTTTTTATTATGTTGC-3'